The following is an entry in ClinVar:

ClinVar aggregate classification (germline): Benign/Likely benign. Review status: criteria provided, multiple submitters, no conflicts (2 of 4 stars). 3 submissions from 3 submitters: Benign (1); Likely benign (1). 1 of the submissions does not count toward it. Last evaluated 2024-07-18.

Conditions:
Ataxia-telangiectasia syndrome (AT). Also called: LOUIS-BAR SYNDROME; Cerebello-oculocutaneous telangiectasia; Immunodeficiency with ataxia telangiectasia; Ataxia telangiectasia (A-T); Ataxia-telangiectasia, complementation group D; AT, COMPLEMENTATION GROUP C. Identifiers: Orphanet 100, MedGen C0004135, MONDO:0008840, OMIM 208900.
Familial cancer of breast. Also called: BREAST CANCER, FAMILIAL; Hereditary breast cancer; hereditary breast carcinoma. Identifiers: Orphanet 227535, MedGen C0346153, MONDO:0016419, OMIM 114480. Disease mechanism: loss of function.
ATM-related disorder. Also called: ATM-related disorders; ATM-related condition.

Allele frequency attached by ClinVar (database versions not stated): gnomAD 0.00001; TOPMed below 0.00001.
gnomAD v4.1: 1 of 1,606,236 alleles (0.000062%); highest among the groups gnomAD compares: Non-Finnish European, 0.000085%; no homozygotes.

Submissions (3):

Labcorp Genetics (formerly Invitae), Labcorp
Classification: Likely benign for Ataxia-telangiectasia syndrome. Last evaluated: 2024-07-18. Review status: criteria provided, single submitter. Criteria: Invitae Variant Classification Sherloc (09022015). Collection method: clinical testing. Allele origin: germline.

Myriad Genetics, Inc.
Classification: Benign for Familial cancer of breast. Last evaluated: 2024-06-20. Review status: criteria provided, single submitter. Criteria: Myriad Autosomal Dominant, Autosomal Recessive and X-Linked Classification Criteria (2023). Collection method: clinical testing. Allele origin: unknown.
Comment: This variant is considered benign. This variant is a silent/synonymous amino acid change and it is not expected to impact splicing.

PreventionGenetics, part of Exact Sciences
Classification: Likely benign for ATM-related condition. Last evaluated: 2022-02-03. Review status: no assertion criteria provided. Collection method: clinical testing. Allele origin: germline. Not counted in ClinVar's aggregate classification.
Comment: This variant is classified as likely benign based on ACMG/AMP sequence variant interpretation guidelines (Richards et al. 2015 PMID: 25741868, with internal and published modifications).

NM_000051.4(ATM):c.8589T>A (p.Gly2863=)

Genes: ATM (ATM serine/threonine kinase; plus strand), C11orf65 (chromosome 11 open reading frame 65; minus strand). Cytogenetic location: 11q22.3.
Variant type: single nucleotide variant.
Coding change: c.8589T>A on transcript NM_000051.4 (MANE Select); coding-DNA position 8589, T replaced by A.
Protein change: p.Gly2863=; no amino-acid change (glycine 2863 retained).
Molecular consequence: synonymous variant. On other transcripts: intron variant (2).
Genome position (GRCh38, 1-based): chr11:108,347,283, T>A. VCF-style: chr11-108347283-T-A. GRCh37 (hg19) VCF-style: chr11-108218010-T-A.
Other names: c.8589T>A, p.Gly2863= (NM_001351834.2); c.641-38212A>T (NM_001330368.2); c.695-11991A>T (NM_001351110.2).
Identifiers: ClinVar variation 2728915 (VCV002728915.6), dbSNP rs1409265866, ClinGen allele CA476673462.